The following is an entry in ClinVar:

NM_033409.4(SLC52A3):c.526G>A (p.Val176Ile)

Gene: SLC52A3 (solute carrier family 52 member 3; minus strand). Cytogenetic location: 20p13.
Variant type: single nucleotide variant.
Coding change: c.526G>A on transcript NM_033409.4 (MANE Select); coding-DNA position 526, G replaced by A.
Protein change: p.Val176Ile; replaces valine 176 with isoleucine.
Molecular consequence: missense variant.
Genome position (GRCh38, 1-based): chr20:765,249, C>T on the plus strand (G>A on the coding strand, the complement: SLC52A3 is on the minus strand). VCF-style: chr20-765249-C-T. GRCh37 (hg19) VCF-style: chr20-745893-C-T.
Other names: c.526G>A, p.Val176Ile (NM_001370085.1, NM_001370086.1); short protein forms V176I.
Identifiers: ClinVar variation 951148 (VCV000951148.10), dbSNP rs781769616, ClinGen allele CA9724757.

ClinVar aggregate classification (germline): Conflicting classifications of pathogenicity. Review status: criteria provided, conflicting classifications (1 of 4 stars). 3 submissions from 3 submitters: Uncertain significance (2); Likely benign (1). Last evaluated 2025-04-13.

Conditions:
Inborn genetic diseases. Identifiers: MedGen C0950123, MeSH D030342.
Brown-Vialetto-van Laere syndrome 1. Also called: BROWN-VIALETTO-VAN LAERE SYNDROME 1, MILD; BULBAR PALSY, PROGRESSIVE, WITH SENSORINEURAL DEAFNESS; PONTOBULBAR PALSY WITH DEAFNESS. Identifiers: Orphanet 572550, Orphanet 97229, MedGen C0796274, MONDO:0024537, OMIM 211530.

Allele frequency attached by ClinVar (database versions not stated): gnomAD 0.00001; gnomAD exomes 0.00001; ExAC 0.00002; TOPMed 0.00001.

Submissions (3):

Ambry Genetics
Classification: Likely benign for Inborn genetic diseases. Last evaluated: 2025-04-13. Review status: criteria provided, single submitter. Criteria: Ambry Variant Classification Scheme 2023. Collection method: clinical testing. Allele origin: germline.

Labcorp Genetics (formerly Invitae), Labcorp
Classification: Uncertain significance for Brown-Vialetto-van Laere syndrome 1. Last evaluated: 2022-08-13. Review status: criteria provided, single submitter. Criteria: Invitae Variant Classification Sherloc (09022015). Collection method: clinical testing. Allele origin: germline.
Comment: This sequence change replaces valine, which is neutral and non-polar, with isoleucine, which is neutral and non-polar, at codon 176 of the SLC52A3 protein (p.Val176Ile). This variant is present in population databases (rs781769616, gnomAD 0.006%). This variant has not been reported in the literature in individuals affected with SLC52A3-related conditions. ClinVar contains an entry for this variant (Variation ID: 951148). Algorithms developed to predict the effect of missense changes on protein structure and function output the following: SIFT: "Tolerated"; PolyPhen-2: "Benign"; Align-GVGD: "Class C0". The isoleucine amino acid residue is found in multiple mammalian species, which suggests that this missense change does not adversely affect protein function. In summary, the available evidence is currently insufficient to determine the role of this variant in disease. Therefore, it has been classified as a Variant of Uncertain Significance.

GeneDx
Classification: Uncertain significance. Last evaluated: 2019-12-26. Review status: criteria provided, single submitter. Criteria: GeneDx Variant Classification Process June 2021. Collection method: clinical testing. Allele origin: germline. Affected: yes.
Comment: Not observed at a significant frequency in large population cohorts (Lek et al., 2016); In silico analysis, which includes protein predictors and evolutionary conservation, supports that this variant does not alter protein structure/function; Has not been previously published as pathogenic or benign to our knowledge